The following is an entry in ClinVar:

NM_007186.6(CEP250):c.1585A>G (p.Met529Val)

Genes: CEP250 (centrosomal protein 250; plus strand), CEP250-AS1 (CEP250 antisense RNA 1; minus strand). Cytogenetic location: 20q11.22.
Variant type: single nucleotide variant.
Coding change: c.1585A>G on transcript NM_007186.6 (MANE Select); coding-DNA position 1585, A replaced by G.
Protein change: p.Met529Val; replaces methionine 529 with valine.
Molecular consequence: missense variant. On other transcripts: 5 prime UTR variant (1).
Genome position (GRCh38, 1-based): chr20:35,475,515, A>G. VCF-style: chr20-35475515-A-G. GRCh37 (hg19) VCF-style: chr20-34063340-A-G.
Other names: c.-315A>G (NM_001318219.1); short protein forms M529V.
Identifiers: ClinVar variation 1943091 (VCV001943091.2), dbSNP rs369624104, ClinGen allele CA9832974.

ClinVar aggregate classification (germline): Uncertain significance (1 of 4 stars; one submission).

Allele frequency attached by ClinVar (database versions not stated): ExAC 0.00001; gnomAD exomes 0.00001; gnomAD 0.00002; TOPMed 0.00002; ESP Exome Variant Server 0.00008.
gnomAD v4.1: 24 of 1,614,020 alleles (0.0015%); highest among the groups gnomAD compares: Non-Finnish European, 0.0019%; no homozygotes.

Submission:

Labcorp Genetics (formerly Invitae), Labcorp
Classification: Uncertain significance. Last evaluated: 2022-08-22. Review status: criteria provided, single submitter. Criteria: Invitae Variant Classification Sherloc (09022015). Collection method: clinical testing. Allele origin: germline.
Comment: This sequence change replaces methionine, which is neutral and non-polar, with valine, which is neutral and non-polar, at codon 529 of the CEP250 protein (p.Met529Val). This variant is present in population databases (rs369624104, gnomAD 0.004%). This variant has not been reported in the literature in individuals affected with CEP250-related conditions. Algorithms developed to predict the effect of missense changes on protein structure and function output the following: SIFT: "Not Available"; PolyPhen-2: "Benign"; Align-GVGD: "Not Available". The valine amino acid residue is found in multiple mammalian species, which suggests that this missense change does not adversely affect protein function. In summary, the available evidence is currently insufficient to determine the role of this variant in disease. Therefore, it has been classified as a Variant of Uncertain Significance.